The following is an entry in ClinVar:

NM_000278.5(PAX2):c.729G>A (p.Arg243=)

Gene: PAX2 (paired box 2; plus strand). Cytogenetic location: 10q24.31.
Variant type: single nucleotide variant.
Coding change: c.729G>A on transcript NM_000278.5 (MANE Select); coding-DNA position 729, G replaced by A.
Protein change: p.Arg243=; no amino-acid change (arginine 243 retained).
Molecular consequence: synonymous variant.
Genome position (GRCh38, 1-based): chr10:100,806,542, G>A. VCF-style: chr10-100806542-G-A. GRCh37 (hg19) VCF-style: chr10-102566299-G-A.
Other names: c.822G>A, p.Arg274= (NM_001304569.2); c.798G>A, p.Arg266= (NM_003987.5, NM_003990.5); c.729G>A, p.Arg243= (NM_003988.5, NM_003989.5).
Identifiers: ClinVar variation 3905018 (VCV003905018.10).
Genomic context (GRCh38, chr10:100,806,542, plus strand): 5'-TTTGCGGAAGCACTTGCGAGCTGACACCTTCACCCAGCAGCAGCTGGAAGCTTTGGATCG[G>A]GTCTTTGAGCGTCCTTCCTACCCTGACGTCTTCCAGGCATCAGAGCACATCAAATCAGAA-3'
Protein context (NP_000269.3, residues 233-253): FTQQQLEALD[Arg243=]VFERPSYPDV

ClinVar aggregate classification (germline): Likely benign (1 of 4 stars; one submission).

Submission:

CeGaT Center for Human Genetics Tuebingen
Classification: Likely benign. Last evaluated: 2025-05-01. Review status: criteria provided, single submitter. Criteria: CeGaT Center For Human Genetics Tuebingen Variant Classification Criteria Version 2. Collection method: clinical testing. Allele origin: germline. Affected: yes. Observed: 1 variant allele.
Comment: PAX2: PM2:Supporting, BP4, BP7